The following is an entry in ClinVar:

ClinVar aggregate classification (germline): Pathogenic/Likely pathogenic. Review status: criteria provided, multiple submitters, no conflicts (2 of 4 stars). 5 submissions from 5 submitters: Pathogenic (3); Likely pathogenic (2). Last evaluated 2024-12-16.

Conditions:
Inborn genetic diseases. Identifiers: MedGen C0950123, MeSH D030342.
ATP8A2-related disorder. Also called: ATP8A2-related condition.
Cerebellar ataxia, impaired intellectual development, and dysequilibrium syndrome 4. Also called: CEREBELLAR ATAXIA AND MENTAL RETARDATION WITH OR WITHOUT QUADRUPEDAL LOCOMOTION 4; Cerebellar ataxia, mental retardation, and dysequilibrium syndrome 4; Cerebellar ataxia, intellectual disability, and dysequilibrium syndrome 4. Identifiers: Orphanet 1766, MedGen C3808977, MONDO:0014104, OMIM 615268.

Submissions (5):

Labcorp Genetics (formerly Invitae), Labcorp
Classification: Pathogenic. Last evaluated: 2024-12-16. Review status: criteria provided, single submitter. Criteria: Invitae Variant Classification Sherloc (09022015). Collection method: clinical testing. Allele origin: germline.
Comment: This sequence change creates a premature translational stop signal (p.Arg588Serfs*5) in the ATP8A2 gene. It is expected to result in an absent or disrupted protein product. Loss-of-function variants in ATP8A2 are known to be pathogenic (PMID: 28454995, 29531481). This variant is present in population databases (no rsID available, gnomAD 0.007%). This variant has not been reported in the literature in individuals affected with ATP8A2-related conditions. ClinVar contains an entry for this variant (Variation ID: 522073). For these reasons, this variant has been classified as Pathogenic.

Dasa
Classification: Pathogenic. Last evaluated: 2024-08-23. Review status: criteria provided, single submitter. Criteria: DASA Assertion Criteria. Collection method: clinical testing. Allele origin: germline.
Comment: NM_016529.6(ATP8A2):c.1761dup (p.Arg588Serfs*5) introduces a premature termination codon predicted to result in loss of normal protein function. Loss-of-function is an established mechanism of disease for this gene. The variant is present at low frequency in population datasets. Based on the available data, this variant is classified as pathogenic.

PreventionGenetics, part of Exact Sciences
Classification: Likely pathogenic for ATP8A2-related condition. Last evaluated: 2023-02-23. Review status: criteria provided, single submitter. Criteria: ACMG Guidelines, 2015. Collection method: clinical testing. Allele origin: germline.
Comment: The ATP8A2 c.1761dupT variant is predicted to result in a frameshift and premature protein termination (p.Arg588Serfs*5). This variant is reported in 0.0065% of alleles in individuals of European (Non-Finnish) descent in gnomAD. Frameshift variants in ATP8A2 are expected to be pathogenic. This variant is interpreted as likely pathogenic.

Mendelics
Classification: Likely pathogenic for Cerebellar ataxia, impaired intellectual development, and dysequilibrium syndrome 4. Last evaluated: 2019-05-28. Review status: criteria provided, single submitter. Criteria: Mendelics Assertion Criteria 2017. Collection method: clinical testing. Allele origin: unknown.

Ambry Genetics
Classification: Pathogenic for Inborn genetic diseases. Last evaluated: 2017-11-28. Review status: criteria provided, single submitter. Criteria: Ambry exome assertion method (8-5-2015). Collection method: clinical testing. Allele origin: germline. Affected: yes. Observed: 1 variant allele.

Literature cited by the submitters: PubMed 28454995 (cited by Labcorp Genetics (formerly Invitae), Labcorp); PubMed 29531481 (cited by Labcorp Genetics (formerly Invitae), Labcorp).

NM_016529.6(ATP8A2):c.1761dup (p.Arg588fs)

Gene: ATP8A2 (ATPase phospholipid transporting 8A2). Cytogenetic location: 13q12.13.
Variant type: Duplication.
Coding change: c.1761dup on transcript NM_016529.6 (MANE Select); coding-DNA position 1761, one base duplicated.
Protein change: p.Arg588fs; shifts the reading frame from arginine 588.
Molecular consequence: frameshift variant.
Genome position: GRCh38 VCF-style: chr13-25577115-C-CT. GRCh37 (hg19) VCF-style: chr13-26151253-C-CT.
Other names: c.1641dup, p.Arg548fs (NM_001313741.1); c.1761dupT (NM_016529.5); short protein forms R548fs, R588fs.
Identifiers: ClinVar variation 522073 (VCV000522073.12), dbSNP rs1156904586, ClinGen allele CA608707461.
Genomic context (GRCh38, chr13:25,577,115, plus strand): 5'-TTTCACTCTCCCAGTGACAGAAAAAGAATGTCTGTAATTGTTCGAACTCCTTCAGGACGA[C>CT]TTCGGCTTTACTGTAAAGGGGCTGTAAGTACCGGAGAAGCGTTGTGCGTAGCGGAGTTCT-3'